The following is an entry in ClinVar:

NM_001037.5(SCN1B):c.448+163A>G

Gene: SCN1B (sodium voltage-gated channel beta subunit 1; plus strand). Cytogenetic location: 19q13.11.
Variant type: single nucleotide variant.
Coding change: c.448+163A>G on transcript NM_001037.5 (MANE Select); 163 bases into the intron after coding-DNA position 448, A replaced by G.
Molecular consequence: intron variant. On other transcripts: missense variant (1).
Genome position (GRCh38, 1-based): chr19:35,033,902, A>G. VCF-style: chr19-35033902-A-G. GRCh37 (hg19) VCF-style: chr19-35524806-A-G.
Other names: c.611A>G, p.Gln204Arg (NM_199037.5); c.349+163A>G (NM_001321605.2); short protein forms Q204R.
Identifiers: ClinVar variation 470181 (VCV000470181.13), dbSNP rs761312032, ClinGen allele CA9372044.

ClinVar aggregate classification (germline): Conflicting classifications of pathogenicity. Review status: criteria provided, conflicting classifications (1 of 4 stars). 2 submissions from 2 submitters: Uncertain significance (1); Likely benign (1). Last evaluated 2025-04-30.

Conditions:
Brugada syndrome 5 (BRGDA5). Identifiers: Orphanet 130, Orphanet 871, MedGen C2748541, MONDO:0013015, OMIM 612838.

Allele frequency attached by ClinVar (database versions not stated): ExAC 0.00002; gnomAD 0.00001; TOPMed 0.00003; gnomAD exomes 0.00002 and 0.00005.
gnomAD v4.1: 14 of 1,585,446 alleles (0.00088%); highest among the groups gnomAD compares: Admixed American, 0.02%; no homozygotes.

Submissions (2):

GeneDx
Classification: Uncertain significance. Last evaluated: 2025-04-30. Review status: criteria provided, single submitter. Criteria: GeneDx Variant Classification Process June 2021. Collection method: clinical testing. Allele origin: germline.
Comment: Reported using an alternate transcript of the gene; Reported previously in an asymptomatic patient with an idiopathic type 1 Brugada ECG pattern and no family history (PMID: 22840528); In silico analysis indicates that this missense variant does not alter protein structure/function; This variant is associated with the following publications: (PMID: 23874304, 22840528)

Labcorp Genetics (formerly Invitae), Labcorp
Classification: Likely benign for Brugada syndrome 5. Last evaluated: 2025-04-07. Review status: criteria provided, single submitter. Criteria: Invitae Variant Classification Sherloc (09022015). Collection method: clinical testing. Allele origin: germline.